The following is an entry in ClinVar:

ClinVar aggregate classification (germline): Conflicting classifications of pathogenicity. Review status: criteria provided, conflicting classifications (1 of 4 stars). 5 submissions from 5 submitters: Likely pathogenic (1); Uncertain significance (4). Last evaluated 2025-10-09.

Conditions:
Hereditary spherocytosis type 4. Also called: SLC4A1-Related Spherocytosis. Identifiers: Orphanet 822, MedGen C2675212, MONDO:0012981, OMIM 612653.
Cryohydrocytosis. Also called: STOMATOCYTOSIS, COLD-SENSITIVE; CRYOHYDROCYTOSIS DUE TO BAND 3 HEMEL; CRYOHYDROCYTOSIS DUE TO BAND 3 HURSTPIERPOINT; CRYOHYDROCYTOSIS DUE TO BAND 3 BLACKBURN; Hereditary cryohydrocytosis with normal stomatin. Identifiers: Orphanet 398088, MedGen C1861453, MONDO:0008494, OMIM 185020.
Autosomal dominant distal renal tubular acidosis (DRTA1). Also called: RENAL TUBULAR ACIDOSIS, DISTAL, 1; RTA, CLASSIC TYPE; RTA, DISTAL TYPE, AUTOSOMAL DOMINANT; RTA, GRADIENT TYPE; Renal Tubular Acidosis, Type I. Identifiers: Orphanet 93608, MedGen CN280572, MONDO:0008368, OMIM 179800.
Renal tubular acidosis, distal, 4, with hemolytic anemia. Also called: Renal Tubular Acidosis, Distal, with Hemolytic Anemia. Identifiers: Orphanet 93610, MedGen C5436235, MONDO:0012700, OMIM 611590.
BLOOD GROUP, WALDNER (WD). Also called: WALDNER BLOOD GROUP ANTIGEN. Identifiers: MedGen C1862191, OMIM 112010.
BLOOD GROUP--FROESE (FR). Also called: FROESE BLOOD GROUP ANTIGEN. Identifiers: MedGen C1832168, OMIM 601551.
BLOOD GROUP--WRIGHT ANTIGEN (WR). Identifiers: MedGen C1862190, OMIM 112050.
BLOOD GROUP--SWANN SYSTEM (SW). Also called: SWANN BLOOD GROUP. Identifiers: MedGen C1832169, OMIM 601550.
BLOOD GROUP--DIEGO SYSTEM (DI). Identifiers: MedGen C1292286, OMIM 110500.
Southeast Asian ovalocytosis. Also called: HE, STOMATOCYTIC; Stomatocytic elliptocytosis, hereditary; Ovalocytosis, Malaysian-Melanesian-Filipino type; Elliptocytosis 4. Identifiers: Orphanet 98868, MedGen C1862322, MONDO:0008165, OMIM 166900.
Malaria, susceptibility to. Identifiers: Orphanet 673, MedGen C1970028, MONDO:0021024, OMIM 611162.
Inborn genetic diseases. Identifiers: MedGen C0950123, MeSH D030342.

Allele frequency attached by ClinVar (database versions not stated): gnomAD 0.00001; ESP Exome Variant Server 0.00008; gnomAD exomes 0.00003; TOPMed 0.00003; ExAC 0.00003.
gnomAD v4.1: 48 of 1,613,164 alleles (0.003%); highest among the groups gnomAD compares: South Asian, 0.019%; no homozygotes.

Submissions (5):

Labcorp Genetics (formerly Invitae), Labcorp
Classification: Uncertain significance. Last evaluated: 2025-10-09. Review status: criteria provided, single submitter. Criteria: Invitae Variant Classification Sherloc (09022015). Collection method: clinical testing. Allele origin: germline.
Comment: This sequence change replaces leucine, which is neutral and non-polar, with methionine, which is neutral and non-polar, at codon 886 of the SLC4A1 protein (p.Leu886Met). This variant is present in population databases (rs150340150, gnomAD 0.01%). This missense change has been observed in individual(s) with clinical features of distal renal tubular acidosis (PMID: 35738466). ClinVar contains an entry for this variant (Variation ID: 1343087). An algorithm developed to predict the effect of missense changes on protein structure and function (PolyPhen-2) suggests that this variant is likely to be disruptive. In summary, the available evidence is currently insufficient to determine the role of this variant in disease. Therefore, it has been classified as a Variant of Uncertain Significance.

Dasa
Classification: Uncertain significance. Last evaluated: 2025-03-08. Review status: criteria provided, single submitter. Criteria: DASA Assertion Criteria. Collection method: clinical testing. Allele origin: germline.
Comment: NM_000342.4(SLC4A1):c.2656C>A (p.Leu886Met) is a missense variant that results in the substitution of leucine with methionine. The affected residue or protein region has prior evidence supporting clinical relevance. This variant is rare in population databases. The currently available literature and clinical evidence are not sufficient to establish a definitive association between this variant and the reported condition. Therefore, this variant is classified as a variant of uncertain significance.

Fulgent Genetics
Classification: Uncertain significance for BLOOD GROUP--DIEGO SYSTEM; BLOOD GROUP, WALDNER; BLOOD GROUP--WRIGHT ANTIGEN; Southeast Asian ovalocytosis; Autosomal dominant distal renal tubular acidosis; Cryohydrocytosis; BLOOD GROUP--SWANN SYSTEM; BLOOD GROUP--FROESE; Malaria, susceptibility to; Renal tubular acidosis, distal, 4, with hemolytic anemia; Hereditary spherocytosis type 4. Last evaluated: 2024-03-26. Review status: criteria provided, single submitter. Criteria: ACMG Guidelines, 2015. Collection method: clinical testing. Allele origin: germline.

Ambry Genetics
Classification: Uncertain significance for Inborn genetic diseases. Last evaluated: 2022-03-23. Review status: criteria provided, single submitter. Criteria: Ambry Variant Classification Scheme 2023. Collection method: clinical testing. Allele origin: germline.

Laboratory of Cyto-molecular Genetics, Department of Anatomy, All India Institute of Medical Sciences (AIIMS), New Delhi
Classification: Likely pathogenic for Autosomal dominant distal renal tubular acidosis. Last evaluated: 2022-03-07. Review status: criteria provided, single submitter. Criteria: ACMG Guidelines, 2015. Collection method: clinical testing. Allele origin: germline. Affected: yes. Observed: 2 variant alleles.
Comment: p.(Leu886Met), missense variant

Literature cited by the submitters: PubMed 35738466 (cited by Labcorp Genetics (formerly Invitae), Labcorp and Laboratory of Cyto-molecular Genetics, Department of Anatomy, All India Institute of Medical Sciences (AIIMS), New Delhi).

NM_000342.4(SLC4A1):c.2656C>A (p.Leu886Met)

Gene: SLC4A1 (solute carrier family 4 member 1 (Diego blood group); minus strand). Cytogenetic location: 17q21.31.
Variant type: single nucleotide variant.
Coding change: c.2656C>A on transcript NM_000342.4 (MANE Select); coding-DNA position 2656, C replaced by A.
Protein change: p.Leu886Met; replaces leucine 886 with methionine.
Molecular consequence: missense variant.
Genome position (GRCh38, 1-based): chr17:44,250,538, G>T on the plus strand (C>A on the coding strand, the complement: SLC4A1 is on the minus strand). VCF-style: chr17-44250538-G-T. GRCh37 (hg19) VCF-style: chr17-42327906-G-T.
Other names: c.2656C>A (NM_000342.3); short protein forms L886M.
Identifiers: ClinVar variation 1343087 (VCV001343087.10), dbSNP rs150340150, ClinGen allele CA8599957.